The following is an entry in ClinVar:

ClinVar aggregate classification (germline): Uncertain significance (1 of 4 stars; one submission).

Allele frequency attached by ClinVar (database versions not stated): gnomAD exomes below 0.00001.
gnomAD v4.1: 1 of 1,537,152 alleles (0.000065%); highest among the groups gnomAD compares: Non-Finnish European, 0.000087%; no homozygotes.

Submission:

CeGaT Center for Human Genetics Tuebingen
Classification: Uncertain significance. Last evaluated: 2023-01-01. Review status: criteria provided, single submitter. Criteria: CeGaT Center For Human Genetics Tuebingen Variant Classification Criteria Version 2. Collection method: clinical testing. Allele origin: germline. Affected: yes. Observed: 1 variant allele.
Comment: STIM1: PM2, BP4

NM_001382567.1(STIM1):c.1634+221C>G

Gene: STIM1 (stromal interaction molecule 1; plus strand). Cytogenetic location: 11p15.4.
Variant type: single nucleotide variant.
Coding change: c.1634+221C>G on transcript NM_001382567.1 (MANE Select); 221 bases into the intron after coding-DNA position 1634, C replaced by G.
Molecular consequence: intron variant. On other transcripts: missense variant (2).
Genome position (GRCh38, 1-based): chr11:4,086,764, C>G. VCF-style: chr11-4086764-C-G. GRCh37 (hg19) VCF-style: chr11-4107994-C-G.
Other names: c.1762C>G, p.His588Asp (NM_001277961.3); c.1540C>G, p.His514Asp (NM_001382566.1); c.1319+221C>G (NM_001382578.1, NM_001382575.1, NM_001382576.1 and 2 more transcripts); c.1052+221C>G (NM_001382580.1, NM_001382581.1); c.1562+221C>G (NM_001382568.1); c.1541+221C>G (NM_001277962.2, NM_003156.4); c.1313+221C>G (NM_001382570.1); c.1406+221C>G (NM_001382569.1); and 1 more; short protein forms H514D, H588D.
Identifiers: ClinVar variation 2641526 (VCV002641526.24), dbSNP rs2498506596, ClinGen allele CA379195771.